The following is an entry in ClinVar:

ClinVar aggregate classification (germline): Pathogenic (1 of 4 stars; one submission).

Submission:

Labcorp Genetics (formerly Invitae), Labcorp
Classification: Pathogenic. Last evaluated: 2022-04-29. Review status: criteria provided, single submitter. Criteria: Invitae Variant Classification Sherloc (09022015). Collection method: clinical testing. Allele origin: germline.
Comment: This sequence change creates a premature translational stop signal (p.Thr255Alafs*3) in the ARMC9 gene. It is expected to result in an absent or disrupted protein product. Loss-of-function variants in ARMC9 are known to be pathogenic (PMID: 28625504). This variant is not present in population databases (gnomAD no frequency). This variant has not been reported in the literature in individuals affected with ARMC9-related conditions. For these reasons, this variant has been classified as Pathogenic.

Literature cited by the submitters: PubMed 28625504.

NM_001352754.2(ARMC9):c.762_771del (p.Thr255fs)

Gene: ARMC9 (armadillo repeat containing 9; plus strand). Cytogenetic location: 2q37.1.
Variant type: Deletion.
Coding change: c.762_771del on transcript NM_001352754.2 (MANE Select); coding-DNA positions 762 to 771, 10 bases deleted (CACAGTCAGC; older notation c.762_771delCACAGTCAGC).
Protein change: p.Thr255fs; shifts the reading frame from threonine 255.
Molecular consequence: frameshift variant. On other transcripts: non-coding transcript variant (1).
Genome position (GRCh38, 1-based): chr2:231,235,363-231,235,372, CACAGTCAGC deleted; deleting any 10 consecutive bases within chr2:231,235,361-231,235,372 gives the same sequence; the c. name uses the placement nearest the transcript's 3' end. VCF-style (leftmost placement, unchanged base first): chr2-231235360-GGCCACAGTCA-G. GRCh37 (hg19) VCF-style: chr2-232100073-GGCCACAGTCA-G.
Other names: c.762_771del, p.Thr255fs (NM_001352756.2, NM_001352757.2, NM_001352758.2 and 5 more transcripts); short protein forms T255fs.
Identifiers: ClinVar variation 1924081 (VCV001924081.5), dbSNP rs2469664049, ClinGen allele CA2580065982.